The following is an entry in ClinVar:

ClinVar aggregate classification (germline): Uncertain significance (1 of 4 stars; one submission).

Allele frequency attached by ClinVar (database versions not stated): TOPMed below 0.00001; ExAC 0.00002; gnomAD exomes 0.00002.
gnomAD v4.1: 10 of 1,614,200 alleles (0.00062%); highest among the groups gnomAD compares: Non-Finnish European, 0.00076%; no homozygotes.

Submission:

Labcorp Genetics (formerly Invitae), Labcorp
Classification: Uncertain significance. Last evaluated: 2023-02-09. Review status: criteria provided, single submitter. Criteria: Invitae Variant Classification Sherloc (09022015). Collection method: clinical testing. Allele origin: germline.
Comment: This variant is present in population databases (rs763451136, gnomAD 0.004%). This sequence change replaces aspartic acid, which is acidic and polar, with valine, which is neutral and non-polar, at codon 280 of the NFE2L2 protein (p.Asp280Val). This variant has not been reported in the literature in individuals affected with NFE2L2-related conditions. Advanced modeling of protein sequence and biophysical properties (such as structural, functional, and spatial information, amino acid conservation, physicochemical variation, residue mobility, and thermodynamic stability) has been performed at Invitae for this missense variant, however the output from this modeling did not meet the statistical confidence thresholds required to predict the impact of this variant on NFE2L2 protein function. In summary, the available evidence is currently insufficient to determine the role of this variant in disease. Therefore, it has been classified as a Variant of Uncertain Significance.

NM_006164.5(NFE2L2):c.839A>T (p.Asp280Val)

Gene: NFE2L2 (NFE2 like bZIP transcription factor 2; minus strand). Cytogenetic location: 2q31.2.
Variant type: single nucleotide variant.
Coding change: c.839A>T on transcript NM_006164.5 (MANE Select); coding-DNA position 839, A replaced by T.
Protein change: p.Asp280Val; replaces aspartic acid 280 with valine.
Molecular consequence: missense variant.
Genome position (GRCh38, 1-based): chr2:177,231,764, T>A on the plus strand (A>T on the coding strand, the complement: NFE2L2 is on the minus strand). VCF-style: chr2-177231764-T-A. GRCh37 (hg19) VCF-style: chr2-178096492-T-A.
Other names: c.620A>T, p.Asp207Val (NM_001313903.2); c.539A>T, p.Asp180Val (NM_001313904.1); c.791A>T, p.Asp264Val (NM_001145412.3, NM_001313900.1, NM_001313901.1); c.770A>T, p.Asp257Val (NM_001145413.3); c.749A>T, p.Asp250Val (NM_001313902.2); short protein forms D207V, D280V, D180V, D250V, D257V, D264V.
Identifiers: ClinVar variation 2981849 (VCV002981849.3), dbSNP rs763451136, ClinGen allele CA1979783.
Genomic context (GRCh38, chr2:177,231,764, plus strand): 5'-GGCATGCTGTTGCTGATACTGGGCTCAGCTATGAAAGCAGAATAAAATTCATCACCAAAA[T>A]CTGTGTTGACTGTGGCATCTGAATTTAATGAGTTCACTGTCAACTGGTTGGGGTCTTCTG-3'
Protein context (NP_006155.2, residues 270-290): SLNSDATVNT[Asp280Val]FGDEFYSAFI